The following is an entry in ClinVar:

ClinVar aggregate classification (germline): Likely benign (0 of 4 stars; one submission).

Conditions:
PIEZO1-related disorder. Also called: PIEZO1-Related Disorders; PIEZO1-related condition.

gnomAD v4.1: 2 of 1,550,086 alleles (0.00013%); highest among the groups gnomAD compares: Middle Eastern, 0.017%; no homozygotes.

Submission:

PreventionGenetics, part of Exact Sciences
Classification: Likely benign for PIEZO1-related condition. Last evaluated: 2021-03-24. Review status: no assertion criteria provided. Collection method: clinical testing. Allele origin: germline.
Comment: This variant is classified as likely benign based on ACMG/AMP sequence variant interpretation guidelines (Richards et al. 2015 PMID: 25741868, with internal and published modifications).

NM_001142864.4(PIEZO1):c.6699C>A (p.Ile2233=)

Gene: PIEZO1 (piezo type mechanosensitive ion channel component 1 (Er blood group); minus strand). Cytogenetic location: 16q24.3.
Variant type: single nucleotide variant.
Coding change: c.6699C>A on transcript NM_001142864.4 (MANE Select); coding-DNA position 6699, C replaced by A.
Protein change: p.Ile2233=; no amino-acid change (isoleucine 2233 retained).
Molecular consequence: synonymous variant.
Genome position (GRCh38, 1-based): chr16:88,716,860, G>T on the plus strand (C>A on the coding strand, the complement: PIEZO1 is on the minus strand). VCF-style: chr16-88716860-G-T. GRCh37 (hg19) VCF-style: chr16-88783268-G-T.
Other names: c.5241C>A, p.Ile1747= (NM_014745.1).
Identifiers: ClinVar variation 3031061 (VCV003031061.2), dbSNP rs1912078332, ClinGen allele CA497363818.